The following is an entry in ClinVar:

NM_000377.3(WAS):c.1001del (p.Gly334fs)

Gene: WAS (WASP actin nucleation promoting factor; plus strand). Cytogenetic location: Xp11.23.
Variant type: Deletion.
Coding change: c.1001del on transcript NM_000377.3 (MANE Select); coding-DNA position 1001, one base deleted (G; older notation c.1001delG).
Protein change: p.Gly334fs; shifts the reading frame from glycine 334.
Molecular consequence: frameshift variant.
Genome position (GRCh38, 1-based): chrX:48,688,729, G deleted; the last of 6 consecutive G bases (chrX:48,688,724-48,688,729); deleting any one gives the same sequence. VCF-style (leftmost placement, unchanged base first): chrX-48688723-TG-T. GRCh37 (hg19) VCF-style: chrX-48547112-TG-T.
Other names: c.996delG (NM_000377.3); c.1001delG (NM_000377.2, NM_000377.3); short protein forms G334fs.
Identifiers: ClinVar variation 574368 (VCV000574368.12), dbSNP rs1569494025, ClinGen allele CA891844002.

ClinVar aggregate classification (germline): Pathogenic. Review status: criteria provided, multiple submitters, no conflicts (2 of 4 stars). 4 submissions from 4 submitters: Pathogenic (4). Last evaluated 2025-02-02.

Conditions:
Wiskott-Aldrich syndrome (WAS). Also called: ALDRICH SYNDROME; IMMUNODEFICIENCY 2; Wiskott-aldrich syndrome, somatic; WISKOTT-ALDRICH SYNDROME 1. Identifiers: Orphanet 906, MedGen C0043194, MONDO:0010518, OMIM 301000.
Thrombocytopenia 1. Also called: THROMBOCYTOPENIA, X-LINKED, 1; X-Linked Thrombocytopenia (XLT); X-linked thrombocytopenia with normal platelets. Identifiers: Orphanet 268322, Orphanet 852, MedGen C1839163, MONDO:0010743, OMIM 313900.
X-linked severe congenital neutropenia (SCNX). Identifiers: Orphanet 86788, MedGen C1845987, MONDO:0010294, OMIM 300299.

Submissions (4):

Labcorp Genetics (formerly Invitae), Labcorp
Classification: Pathogenic for Wiskott-Aldrich syndrome; X-linked severe congenital neutropenia; Thrombocytopenia 1. Last evaluated: 2025-02-02. Review status: criteria provided, single submitter. Criteria: Invitae Variant Classification Sherloc (09022015). Collection method: clinical testing. Allele origin: germline.
Comment: This sequence change creates a premature translational stop signal (p.Gly334Valfs*111) in the WAS gene. It is expected to result in an absent or disrupted protein product. Loss-of-function variants in WAS are known to be pathogenic (PMID: 15284122). This variant is not present in population databases (gnomAD no frequency). This premature translational stop signal has been observed in individual(s) with Wiskott-Aldrich syndrome (PMID: 8931701, 11793485). This variant is also known as "G1035 deletion" and "1030-1035delG". ClinVar contains an entry for this variant (Variation ID: 574368). For these reasons, this variant has been classified as Pathogenic.

Department of Human Genetics, Hannover Medical School
Classification: Pathogenic for Wiskott-Aldrich syndrome. Last evaluated: 2023-04-17. Review status: criteria provided, single submitter. Criteria: ACMG Guidelines, 2015. Collection method: clinical testing. Allele origin: germline. Inheritance: X-linked inheritance. Affected: yes.

Laboratory of Medical Genetics, National & Kapodistrian University of Athens
Classification: Pathogenic for Wiskott-Aldrich syndrome. Last evaluated: 2021-10-05. Review status: criteria provided, single submitter. Criteria: ACMG Guidelines, 2015. Collection method: clinical testing. Allele origin: unknown. Affected: yes.
Comment: PVS1, PM2, PP5

ISTH-SSC Genomics in Thrombosis and Hemostasis, KU Leuven, Center for Molecular and Vascular Biology
Classification: Pathogenic for Thrombocytopenia 1. Review status: criteria provided, single submitter. Criteria: ACMG Guidelines, 2015. Collection method: clinical testing. Allele origin: germline. Affected: yes. Observed: 1 hemizygote.
Comment: Submitted to GoldVariant by Jose María Bastida and José Rivera; Grupo Español de Alteraciones Plaquetarias Congénitas (GEAPC)

Literature cited by the submitters: PubMed 15284122 (cited by Labcorp Genetics (formerly Invitae), Labcorp); PubMed 8931701 (cited by Labcorp Genetics (formerly Invitae), Labcorp); PubMed 11793485 (cited by Labcorp Genetics (formerly Invitae), Labcorp).